The following is an entry in ClinVar:

ClinVar aggregate classification (germline): Uncertain significance (1 of 4 stars; one submission).

Conditions:
Autosomal recessive spinocerebellar ataxia 10. Identifiers: Orphanet 284289, MedGen C3150998, MONDO:0013392, OMIM 613728.

Submission:

Myriad Genetics, Inc.
Classification: Uncertain significance for Autosomal recessive spinocerebellar ataxia 10. Last evaluated: 2026-08-20. Review status: criteria provided, single submitter. Criteria: Myriad Autosomal Dominant, Autosomal Recessive and X-Linked Classification Criteria (2023). Collection method: clinical testing. Allele origin: unknown.
Comment: NM_018075.3(ANO10):c.49C>G(P17A) is a missense variant classified as a variant of uncertain significance in the context of spinocerebellar ataxia, ANO10-related. P17A has not been observed in cases with relevant disease. Relevant functional assessments of this variant are not available in the literature. P17A has not been observed in referenced population frequency databases. In summary, there is insufficient evidence to classify NM_018075.3(ANO10):c.49C>G(P17A) as pathogenic or benign. Please note: this variant was assessed in the context of healthy population screening.

NM_018075.5(ANO10):c.49C>G (p.Pro17Ala)

Gene: ANO10 (anoctamin 10; minus strand). Cytogenetic location: 3p21.33.
Variant type: single nucleotide variant.
Coding change: c.49C>G on transcript NM_018075.5 (MANE Select); coding-DNA position 49, C replaced by G.
Protein change: p.Pro17Ala; replaces proline 17 with alanine.
Molecular consequence: missense variant.
Genome position (GRCh38, 1-based): chr3:43,605,804, G>C on the plus strand (C>G on the coding strand, the complement: ANO10 is on the minus strand). VCF-style: chr3-43605804-G-C. GRCh37 (hg19) VCF-style: chr3-43647296-G-C.
Other names: c.49C>G, p.Pro17Ala (NM_001204831.3, NM_001204832.3, NM_001204833.3 and 8 more transcripts); short protein forms P17A.
Identifiers: ClinVar variation 5003983 (VCV005003983.1).
Genomic context (GRCh38, chr3:43,605,804, plus strand): 5'-TTTTCAGCCATTCTTTGGTTTCTTCTTTGACATCCTGAGCAAGTTCTATGACCACCAAAG[G>C]TGTGAAAGAACTCTCAGAAGTATCCAAAGCTGATAAGGTCACTTTCATCTTTGACAAATC-3'
Protein context (NP_060545.3, residues 7-27): ALDTSESSFT[Pro17Ala]LVVIELAQDV